The following is an entry in ClinVar:

ClinVar aggregate classification (germline): Benign. Review status: criteria provided, multiple submitters, no conflicts (2 of 4 stars). 4 submissions from 4 submitters: Benign (2). 2 of the submissions do not count toward it. Last evaluated 2018-01-13.

Conditions:
Frontotemporal dementia and/or amyotrophic lateral sclerosis 1 (FTDALS1). Also called: Frontotemporal dementia with motor neuron disease 1; C9orf72 Frontotemporal Dementia and/or Amyotrophic Lateral Sclerosis. Identifiers: Orphanet 275872, MedGen C5779877, MONDO:0007105, OMIM 105550.

Allele frequency attached by ClinVar (database versions not stated): 1000 Genomes Project 30x 0.00078; 1000 Genomes Project 0.00100; gnomAD 0.00135 and 0.00146; TOPMed 0.00153; ESP Exome Variant Server 0.00177.
gnomAD v4.1: 415 of 1,614,016 alleles (0.026%); highest among the groups gnomAD compares: African/African-American, 0.48%; 1 homozygote.

Submissions (4):

Illumina Laboratory Services, Illumina
Classification: Benign for Frontotemporal dementia and/or amyotrophic lateral sclerosis 1. Last evaluated: 2018-01-13. Review status: criteria provided, single submitter. Criteria: ICSL Variant Classification Criteria 13 December 2019. Collection method: clinical testing. Allele origin: germline.
Comment: This variant was observed in the ICSL laboratory as part of a predisposition screen in an ostensibly healthy population. It had not been previously curated by ICSL or reported in the Human Gene Mutation Database (HGMD: prior to June 1st, 2018), and was therefore a candidate for classification through an automated scoring system. Utilizing variant allele frequency, disease prevalence and penetrance estimates, and inheritance mode, an automated score was calculated to assess if this variant is too frequent to cause the disease. Based on the score and internal cut-off values, a variant classified as benign is not then subjected to further curation. The score for this variant resulted in a classification of benign for this disease.

Breakthrough Genomics
Classification: Benign. Review status: criteria provided, single submitter. Criteria: ACMG Guidelines, 2015. Collection method: not provided. Allele origin: germline. Inheritance: Autosomal dominant inheritance. Affected: yes.

Clinical Genetics DNA and cytogenetics Diagnostics Lab, Erasmus MC, Erasmus Medical Center
Classification: Likely benign. Review status: no assertion criteria provided. Collection method: clinical testing. Allele origin: germline. Affected: yes. Study: VKGL Data-share Consensus. Not counted in ClinVar's aggregate classification.

Genome Diagnostics Laboratory, Amsterdam University Medical Center
Classification: Likely benign. Review status: no assertion criteria provided. Collection method: clinical testing. Allele origin: germline. Affected: yes. Study: VKGL Data-share Consensus. Not counted in ClinVar's aggregate classification.

NM_018325.5(C9orf72):c.288A>G (p.Ser96=)

Gene: C9orf72 (C9orf72-SMCR8 complex subunit; minus strand). Cytogenetic location: 9p21.2.
Variant type: single nucleotide variant.
Coding change: c.288A>G on transcript NM_018325.5 (MANE Select); coding-DNA position 288, A replaced by G.
Protein change: p.Ser96=; no amino-acid change (serine 96 retained).
Molecular consequence: synonymous variant.
Genome position (GRCh38, 1-based): chr9:27,566,833, T>C on the plus strand (A>G on the coding strand, the complement: C9orf72 is on the minus strand). VCF-style: chr9-27566833-T-C. GRCh37 (hg19) VCF-style: chr9-27566831-T-C.
Other names: c.288A>G, p.Ser96= (NM_001256054.3, NM_145005.7).
Identifiers: ClinVar variation 366528 (VCV000366528.8), dbSNP rs147752518, ClinGen allele CA5018006.